The following is an entry in ClinVar:

ClinVar aggregate classification (germline): Pathogenic. Review status: criteria provided, multiple submitters, no conflicts (2 of 4 stars). 5 submissions from 5 submitters: Pathogenic (5). Last evaluated 2025-07-16.

Conditions:
Hereditary cancer-predisposing syndrome. Also called: Hereditary neoplastic syndrome; Tumor predisposition; Neoplastic Syndromes, Hereditary; Hereditary Cancer Syndrome. Identifiers: Orphanet 140162, MedGen C0027672, MeSH D009386, MONDO:0015356.
Cardiovascular phenotype. Identifiers: MedGen CN230736.
Neurofibromatosis, type 1 (NF1). Also called: Neurofibromatosis, type I; NEUROFIBROMATOSIS, TYPE I, SOMATIC; Peripheral type neurofibromatosis; VON RECKLINGHAUSEN DISEASE. Identifiers: Orphanet 636, MedGen C0027831, MONDO:0018975, OMIM 162200. Disease mechanism: loss of function.

Submissions (5):

Ambry Genetics
Classification: Pathogenic for Cardiovascular phenotype; Hereditary cancer-predisposing syndrome. Last evaluated: 2025-07-16. Review status: criteria provided, single submitter. Criteria: Ambry Variant Classification Scheme 2023. Collection method: clinical testing. Allele origin: germline.
Comment: The c.1722-2A>G intronic pathogenic mutation results from an A to G substitution two nucleotides upstream from coding exon 16 in the NF1 gene. This nucleotide position is highly conserved in available vertebrate species. This variant was reported in individual(s) with features consistent with neurofibromatosis type 1 (Wimmer K et al. Hum Mutat, 2007 Jun;28:599-612; Ambry internal data). In silico splice site analysis predicts that this alteration will weaken the native splice acceptor site and may result in the creation or strengthening of a novel splice acceptor site. RNA studies have demonstrated that this alteration results in abnormal splicing (Wimmer K et al. Hum Mutat, 2007 Jun;28:599-612; Ambry internal data). This variant is considered to be rare based on population cohorts in the Genome Aggregation Database (gnomAD). Based on the supporting evidence, this variant is interpreted as a disease-causing mutation.

Labcorp Genetics (formerly Invitae), Labcorp
Classification: Pathogenic for Neurofibromatosis, type 1. Last evaluated: 2025-02-04. Review status: criteria provided, single submitter. Criteria: Invitae Variant Classification Sherloc (09022015). Collection method: clinical testing. Allele origin: germline.
Comment: This sequence change affects an acceptor splice site in intron 15 of the NF1 gene. RNA analysis indicates that disruption of this splice site induces altered splicing and may result in an absent or altered protein product. This variant is not present in population databases (gnomAD no frequency). Disruption of this splice site has been observed in individual(s) with neurofibromatosis type I (PMID: 17311297). ClinVar contains an entry for this variant (Variation ID: 430965). Studies have shown that disruption of this splice site results in activation of a cryptic splice site, and produces a non-functional protein and/or introduces a premature termination codon (PMID: 17311297). For these reasons, this variant has been classified as Pathogenic.

GeneDx
Classification: Pathogenic. Last evaluated: 2023-07-17. Review status: criteria provided, single submitter. Criteria: GeneDx Variant Classification Process June 2021. Collection method: clinical testing. Allele origin: germline. Affected: yes.
Comment: Canonical splice site variant predicted to result in a null allele in a gene for which loss of function is a known mechanism of disease; Not observed at significant frequency in large population cohorts (gnomAD); This variant is associated with the following publications: (PMID: 25525159, 17311297)

Genome-Nilou Lab
Classification: Pathogenic for Neurofibromatosis, type 1. Last evaluated: 2022-03-15. Review status: criteria provided, single submitter. Criteria: ACMG Guidelines, 2015. Collection method: clinical testing. Allele origin: germline. Affected: no.

HudsonAlpha Institute for Biotechnology
Classification: Pathogenic for Neurofibromatosis, type 1. Last evaluated: 2016-03-17. Review status: criteria provided, single submitter. Criteria: HA_assertions_20150911. Collection method: research. Allele origin: unknown. Observed: 1 variant allele. Study: CSER-HudsonAlpha.

Literature cited by the submitters: PubMed 17311297 (cited by Ambry Genetics and Labcorp Genetics (formerly Invitae), Labcorp).

NM_001042492.3(NF1):c.1722-2A>G

Gene: NF1 (neurofibromin 1; plus strand). Cytogenetic location: 17q11.2.
Variant type: single nucleotide variant.
Coding change: c.1722-2A>G on transcript NM_001042492.3 (MANE Select); the canonical splice acceptor site of the intron before coding-DNA position 1722, A replaced by G.
Molecular consequence: splice acceptor variant.
Genome position (GRCh38, 1-based): chr17:31,223,442, A>G. VCF-style: chr17-31223442-A-G. GRCh37 (hg19) VCF-style: chr17-29550460-A-G.
Other names: c.1722-2A>G (NM_000267.4).
Identifiers: ClinVar variation 430965 (VCV000430965.12), dbSNP rs763983337, ClinGen allele CA399003934.